The following is an entry in ClinVar:

NM_000444.6(PHEX):c.1587-1G>T

Gene: PHEX (phosphate regulating endopeptidase X-linked; plus strand). Cytogenetic location: Xp22.11.
Variant type: single nucleotide variant.
Coding change: c.1587-1G>T on transcript NM_000444.6 (MANE Select); the canonical splice acceptor site of the intron before coding-DNA position 1587, G replaced by T.
Molecular consequence: splice acceptor variant.
Genome position (GRCh38, 1-based): chrX:22,190,443, G>T. VCF-style: chrX-22190443-G-T. GRCh37 (hg19) VCF-style: chrX-22208560-G-T.
Other names: c.1587-1G>T (NM_001282754.2).
Identifiers: ClinVar variation 3632757 (VCV003632757.3).

ClinVar aggregate classification (germline): Pathogenic (1 of 4 stars; one submission).

Submissions (2):

Labcorp Genetics (formerly Invitae), Labcorp
Classification: Pathogenic. Last evaluated: 2024-01-25. Review status: criteria provided, single submitter. Criteria: Invitae Variant Classification Sherloc (09022015). Collection method: clinical testing. Allele origin: germline.
Comment: This sequence change affects an acceptor splice site in intron 14 of the PHEX gene. It is expected to disrupt RNA splicing. Variants that disrupt the donor or acceptor splice site typically lead to a loss of protein function (PMID: 16199547), and loss-of-function variants in PHEX are known to be pathogenic (PMID: 9097956, 9106524, 19219621). This variant is not present in population databases (gnomAD no frequency). Disruption of this splice site has been observed in individual(s) with hypophosphatemia and/or hypophosphatemic rickets (PMID: 22695891, 30682568; Invitae). Algorithms developed to predict the effect of sequence changes on RNA splicing suggest that this variant may disrupt the consensus splice site. For these reasons, this variant has been classified as Pathogenic.

Dr. Peter K. Rogan Lab, Western University
No classification provided (evidence only). Condition: Thyroid cancer, nonmedullary, 1. Review status: no classification provided. Collection method: in vitro. Allele origin: not applicable. Functional consequence: retained intron. Not counted in ClinVar's aggregate classification.

Literature cited by the submitters: PubMed 16199547 (cited by Labcorp Genetics (formerly Invitae), Labcorp); PubMed 9097956 (cited by Labcorp Genetics (formerly Invitae), Labcorp); PubMed 9106524 (cited by Labcorp Genetics (formerly Invitae), Labcorp); PubMed 19219621 (cited by Labcorp Genetics (formerly Invitae), Labcorp); PubMed 22695891 (cited by Labcorp Genetics (formerly Invitae), Labcorp); PubMed 30682568 (cited by Labcorp Genetics (formerly Invitae), Labcorp).